The following is an entry in ClinVar:

ClinVar aggregate classification (germline): Uncertain significance. Review status: criteria provided, multiple submitters, no conflicts (2 of 4 stars). 3 submissions from 3 submitters: Uncertain significance (3). Last evaluated 2024-01-19.

Conditions:
Inborn genetic diseases. Identifiers: MedGen C0950123, MeSH D030342.
Neurodegeneration with brain iron accumulation 5 (NBIA5). Also called: STATIC ENCEPHALOPATHY OF CHILDHOOD WITH NEURODEGENERATION IN ADULTHOOD; Beta-propeller protein-associated neurodegeneration. Identifiers: Orphanet 329284, MedGen C3550973, MONDO:0010476, OMIM 300894.

Allele frequency attached by ClinVar (database versions not stated): ExAC 0.00001; gnomAD 0.00001; TOPMed 0.00001.
gnomAD v4.1: 1 of 1,209,932 alleles (0.000083%); highest among the groups gnomAD compares: Non-Finnish European, 0.00011%; no homozygotes.

Submissions (3):

Labcorp Genetics (formerly Invitae), Labcorp
Classification: Uncertain significance for Neurodegeneration with brain iron accumulation 5. Last evaluated: 2024-01-19. Review status: criteria provided, single submitter. Criteria: Invitae Variant Classification Sherloc (09022015). Collection method: clinical testing. Allele origin: germline.
Comment: This sequence change replaces aspartic acid, which is acidic and polar, with asparagine, which is neutral and polar, at codon 350 of the WDR45 protein (p.Asp350Asn). This variant is present in population databases (rs781979357, gnomAD 0.001%), including at least one homozygous and/or hemizygous individual. This variant has not been reported in the literature in individuals affected with WDR45-related conditions. ClinVar contains an entry for this variant (Variation ID: 1776135). Advanced modeling of protein sequence and biophysical properties (such as structural, functional, and spatial information, amino acid conservation, physicochemical variation, residue mobility, and thermodynamic stability) has been performed at Invitae for this missense variant, however the output from this modeling did not meet the statistical confidence thresholds required to predict the impact of this variant on WDR45 protein function. In summary, the available evidence is currently insufficient to determine the role of this variant in disease. Therefore, it has been classified as a Variant of Uncertain Significance.

Victorian Clinical Genetics Services, Murdoch Childrens Research Institute
Classification: Uncertain significance for Neurodegeneration with brain iron accumulation 5. Last evaluated: 2020-05-25. Review status: criteria provided, single submitter. Criteria: ACMG Guidelines, 2015. Collection method: clinical testing. Allele origin: germline. Inheritance: X-linked dominant inheritance.
Comment: Based on the classification scheme VCGS_Germline_v1.1.1, this variant is classified as 3B-VUS. Following criteria are met: 0102 - Loss-of-function is a known mechanism of disease for this gene. (N) 0110 - This gene is known to be associated with X-linked dominant disease. (N) 0200 - Variant is predicted to result in a missense amino acid change from aspartic acid to asparagine (exon 12). (N) 0251 - Variant is heterozygous. (N) 0302 - Variant is present in gnomAD <0.001 for a dominant condition (0 heterozygotes, 1 hemizygote, 0 homozygotes). (P) 0309 - An alternative amino acid change to a histidine at the same position has been observed in gnomAD (0 heterozygotes, 1 hemizygote, 0 homozygotes). (N) 0502 - Missense variant with conflicting in-silico predictions and/or uninformative conservation. (N) 0604 - Variant is not located in an established domain, motif, hotspot or informative constraint region. (N) 0705 - No comparable variants have previous evidence for pathogenicity. (N) 0807 - Variant has not previously been reported in a clinical context. (N) 0905 - No segregation evidence has been identified for this variant. (N) 1007 - No published functional evidence has been identified for this variant. (N) 1208 - Inheritance information for this variant is not currently available. (N) Legend: (P) - Pathogenic, (N) - Neutral, (B) - Benign

Ambry Genetics
Classification: Uncertain significance for Inborn genetic diseases. Last evaluated: 2018-04-06. Review status: criteria provided, single submitter. Criteria: Ambry Variant Classification Scheme 2023. Collection method: clinical testing. Allele origin: germline.
Comment: The p.D350N variant (also known as c.1048G>A), located in coding exon 10 of the WDR45 gene, results from a G to A substitution at nucleotide position 1048. The aspartic acid at codon 350 is replaced by asparagine, an amino acid with highly similar properties. This amino acid position is highly conserved in available vertebrate species. In addition, this alteration is predicted to be tolerated by in silico analysis. Since supporting evidence is limited at this time, the clinical significance of this alteration remains unclear.

NM_001029896.2(WDR45):c.1045G>A (p.Asp349Asn)

Gene: WDR45 (WD repeat domain 45; minus strand). Cytogenetic location: Xp11.23.
Variant type: single nucleotide variant.
Coding change: c.1045G>A on transcript NM_001029896.2 (MANE Select); coding-DNA position 1045, G replaced by A.
Protein change: p.Asp349Asn; replaces aspartic acid 349 with asparagine.
Molecular consequence: missense variant.
Genome position (GRCh38, 1-based): chrX:49,074,841, C>T on the plus strand (G>A on the coding strand, the complement: WDR45 is on the minus strand). VCF-style: chrX-49074841-C-T. GRCh37 (hg19) VCF-style: chrX-48932500-C-T.
Other names: c.1048G>A, p.Asp350Asn (NM_007075.4); short protein forms D349N, D350N.
Identifiers: ClinVar variation 1776135 (VCV001776135.8), dbSNP rs781979357, ClinGen allele CA10408417.